The following is an entry in ClinVar:

NM_001267550.2(TTN):c.47892T>G (p.Asp15964Glu)

Genes: TTN-AS1 (TTN antisense RNA 1; plus strand), TTN (titin; minus strand). Cytogenetic location: 2q31.2.
Variant type: single nucleotide variant.
Coding change: c.47892T>G on transcript NM_001267550.2 (MANE Select); coding-DNA position 47892, T replaced by G.
Protein change: p.Asp15964Glu; replaces aspartic acid 15964 with glutamic acid.
Molecular consequence: missense variant.
Genome position (GRCh38, 1-based): chr2:178,616,997, A>C on the plus strand (T>G on the coding strand, the complement: TTN is on the minus strand). VCF-style: chr2-178616997-A-C. GRCh37 (hg19) VCF-style: chr2-179481724-A-C.
Other names: p.D14323E:GAT>GAG; c.40188T>G, p.Asp13396Glu (NM_133378.4); c.42969T>G, p.Asp14323Glu (NM_001256850.1); c.20697T>G, p.Asp6899Glu (NM_003319.4); c.21072T>G, p.Asp7024Glu (NM_133432.3); c.21273T>G, p.Asp7091Glu (NM_133437.4); short protein forms D13396E, D15964E, D14323E, D6899E, D7024E, D7091E.
Identifiers: ClinVar variation 166025 (VCV000166025.15), dbSNP rs727503623, ClinGen allele CA178833.

ClinVar aggregate classification (germline): Conflicting classifications of pathogenicity. Review status: criteria provided, conflicting classifications (1 of 4 stars). 9 submissions from 9 submitters: Uncertain significance (5); Likely benign (2). 2 of the submissions do not count toward it. Last evaluated 2025-04-17.

Conditions:
Autosomal recessive limb-girdle muscular dystrophy type 2J (LGMDR10). Also called: Limb-girdle muscular dystrophy, type 2J; MUSCULAR DYSTROPHY, LIMB-GIRDLE, AUTOSOMAL RECESSIVE 10. Identifiers: Orphanet 140922, MedGen C1837342, MONDO:0012127, OMIM 608807.
Myopathy, myofibrillar, 9, with early respiratory failure (MFM9). Also called: Hereditary myopathy with early respiratory failure; EDSTROM MYOPATHY; MYOPATHY, PROXIMAL, WITH EARLY RESPIRATORY MUSCLE INVOLVEMENT; Myopathy, distal, with early respiratory failure, autosomal dominant. Identifiers: Orphanet 178464, Orphanet 34521, MedGen C1863599, MONDO:0011362, OMIM 603689.
Dilated cardiomyopathy 1G (CMD1G). Identifiers: Orphanet 154, MedGen C1858763, MONDO:0011400, OMIM 604145.
Early-onset myopathy with fatal cardiomyopathy (CMYO5). Also called: Salih Myopathy; CONGENITAL MYOPATHY 5 WITH CARDIOMYOPATHY. Identifiers: Orphanet 289377, MedGen C2673677, MONDO:0012714, OMIM 611705. Disease mechanism: loss of function.
Tibial muscular dystrophy (TMD). Also called: Udd Distal Myopathy – Tibial Muscular Dystrophy; UDD MYOPATHY; Tibial muscular dystrophy, tardive. Identifiers: Orphanet 609, MedGen C1838244, MONDO:0010870, OMIM 600334.
Hypertrophic cardiomyopathy 9. Also called: Familial hypertrophic cardiomyopathy 9. Identifiers: MedGen C1861065, MONDO:0013412, OMIM 613765.

Allele frequency attached by ClinVar (database versions not stated): ExAC 0.00001; gnomAD 0.00001; gnomAD exomes 0.00001; TOPMed 0.00001.
gnomAD v4.1: 14 of 1,612,390 alleles (0.00087%); highest among the groups gnomAD compares: Non-Finnish European, 0.0012%; no homozygotes.

Submissions (9):

Women's Health and Genetics/Laboratory Corporation of America, LabCorp
Classification: Uncertain significance. Last evaluated: 2025-04-17. Review status: criteria provided, single submitter. Criteria: LabCorp Variant Classification Summary - May 2015. Collection method: clinical testing. Allele origin: germline.

Molecular Diagnostic Laboratory for Inherited Cardiovascular Disease, Montreal Heart Institute
Classification: Likely benign. Last evaluated: 2025-04-09. Review status: criteria provided, single submitter. Criteria: ACMG Guidelines, 2015. Collection method: clinical testing. Allele origin: germline. Affected: no.
Comment: BP1

Revvity Omics, Revvity
Classification: Uncertain significance. Last evaluated: 2023-08-14. Review status: criteria provided, single submitter. Criteria: ACMG Guidelines, 2015. Collection method: clinical testing. Allele origin: germline.

Blueprint Genetics
Classification: Likely benign. Last evaluated: 2022-07-13. Review status: criteria provided, single submitter. Criteria: ACMG Guidelines, 2015. Collection method: clinical testing. Allele origin: germline.

Fulgent Genetics
Classification: Uncertain significance for Tibial muscular dystrophy; Myopathy, myofibrillar, 9, with early respiratory failure; Dilated cardiomyopathy 1G; Autosomal recessive limb-girdle muscular dystrophy type 2J; Early-onset myopathy with fatal cardiomyopathy; Hypertrophic cardiomyopathy 9. Last evaluated: 2021-08-11. Review status: criteria provided, single submitter. Criteria: ACMG Guidelines, 2015. Collection method: clinical testing. Allele origin: unknown.

Laboratory for Molecular Medicine, Mass General Brigham Personalized Medicine
Classification: Uncertain significance. Last evaluated: 2013-11-01. Review status: criteria provided, single submitter. Criteria: LMM Criteria. Collection method: clinical testing. Allele origin: germline. Observed: 1 variant allele.
Comment: The Asp13396Glu variant in TTN has not been previously reported in individuals w ith cardiomyopathy and was absent from large population studies. Computational a nalyses (biochemical amino acid properties, conservation, AlignGVGD, PolyPhen2, and SIFT) do not provide strong support for or against an impact to the protein. Additional information is needed to fully assess the clinical significance of t his variant.

GeneDx
Classification: Uncertain significance. Last evaluated: 2013-01-31. Review status: criteria provided, single submitter. Criteria: GeneDx Variant Classification (06012015). Collection method: clinical testing. Allele origin: germline. Affected: yes.
Comment: Missense variants in the TTN gene are considered 'unclassified' if they are not previously reported in the literature and do not have >1% frequency in the population to be considered a polymorphism. Research indicates that truncating mutations in the TTN gene are expected to account for approximately 25% of familial and 18% of sporadic idiopathic DCM; however, truncating variants in the TTN gene have been reported in approximately 3% of reported control alleles. There has been little investigation into non-truncating variants. (Herman D et al. Truncations of titin causing dilated cardiomyopathy. N Eng J Med 366:619-628, 2012) The variant is found in DCM panel(s).

Clinical Genetics, Academic Medical Center
Classification: Uncertain significance. Review status: no assertion criteria provided. Collection method: clinical testing. Allele origin: germline. Affected: yes. Study: VKGL Data-share Consensus. Not counted in ClinVar's aggregate classification.

Joint Genome Diagnostic Labs from Nijmegen and Maastricht, Radboudumc and MUMC+
Classification: Uncertain significance. Review status: no assertion criteria provided. Collection method: clinical testing. Allele origin: germline. Affected: yes. Study: VKGL Data-share Consensus. Not counted in ClinVar's aggregate classification.